The following is an entry in ClinVar:

ClinVar aggregate classification (germline): Uncertain significance. Review status: criteria provided, multiple submitters, no conflicts (2 of 4 stars). 2 submissions from 2 submitters: Uncertain significance (2). Last evaluated 2024-05-31.

Conditions:
Hereditary cancer-predisposing syndrome. Also called: Hereditary neoplastic syndrome; Neoplastic Syndromes, Hereditary; Tumor predisposition; Hereditary Cancer Syndrome. Identifiers: Orphanet 140162, MedGen C0027672, MeSH D009386, MONDO:0015356.
Haddad syndrome (OHD). Also called: Ondine-Hirschsprung disease. Identifiers: Orphanet 99803, MedGen C1859049, MONDO:0020493.

Submissions (2):

Ambry Genetics
Classification: Uncertain significance for Hereditary cancer-predisposing syndrome. Last evaluated: 2024-05-31. Review status: criteria provided, single submitter. Criteria: Ambry Variant Classification Scheme 2023. Collection method: clinical testing. Allele origin: germline.
Comment: The p.D193E variant (also known as c.579C>A), located in coding exon 3 of the PHOX2B gene, results from a C to A substitution at nucleotide position 579. The aspartic acid at codon 193 is replaced by glutamic acid, an amino acid with highly similar properties. This amino acid position is conserved. In addition, this alteration is predicted to be tolerated by in silico analysis. Based on the available evidence, the clinical significance of this variant remains unclear.

Labcorp Genetics (formerly Invitae), Labcorp
Classification: Uncertain significance for Haddad syndrome. Last evaluated: 2024-04-15. Review status: criteria provided, single submitter. Criteria: Invitae Variant Classification Sherloc (09022015). Collection method: clinical testing. Allele origin: germline.
Comment: This sequence change replaces aspartic acid, which is acidic and polar, with glutamic acid, which is acidic and polar, at codon 193 of the PHOX2B protein (p.Asp193Glu). This variant is not present in population databases (gnomAD no frequency). This variant has not been reported in the literature in individuals affected with PHOX2B-related conditions. ClinVar contains an entry for this variant (Variation ID: 1003824). Advanced modeling of protein sequence and biophysical properties (such as structural, functional, and spatial information, amino acid conservation, physicochemical variation, residue mobility, and thermodynamic stability) performed at Invitae indicates that this missense variant is not expected to disrupt PHOX2B protein function with a negative predictive value of 80%. In summary, the available evidence is currently insufficient to determine the role of this variant in disease. Therefore, it has been classified as a Variant of Uncertain Significance.

NM_003924.4(PHOX2B):c.579C>A (p.Asp193Glu)

Gene: PHOX2B (paired like homeobox 2B; minus strand). Cytogenetic location: 4p13.
Variant type: single nucleotide variant.
Coding change: c.579C>A on transcript NM_003924.4 (MANE Select); coding-DNA position 579, C replaced by A.
Protein change: p.Asp193Glu; replaces aspartic acid 193 with glutamic acid.
Molecular consequence: missense variant.
Genome position (GRCh38, 1-based): chr4:41,746,173, G>T on the plus strand (C>A on the coding strand, the complement: PHOX2B is on the minus strand). VCF-style: chr4-41746173-G-T. GRCh37 (hg19) VCF-style: chr4-41748190-G-T.
Other names: c.579C>A (NM_003924.3); short protein forms D193E.
Identifiers: ClinVar variation 1003824 (VCV001003824.9), dbSNP rs1733892452, ClinGen allele CA356737910.